The following is an entry in ClinVar:

NM_001148.6(ANK2):c.1782+221C>T

Gene: ANK2 (ankyrin 2; plus strand). Cytogenetic location: 4q26.
Variant type: single nucleotide variant.
Coding change: c.1782+221C>T on transcript NM_001148.6 (MANE Select); 221 bases into the intron after coding-DNA position 1782, C replaced by T.
Molecular consequence: intron variant.
Genome position (GRCh38, 1-based): chr4:113,278,156, C>T. VCF-style: chr4-113278156-C-T. GRCh37 (hg19) VCF-style: chr4-114199312-C-T.
Other names: c.1770+221C>T (NM_001386186.2, NM_001386148.2); c.1572+221C>T (NM_001354269.3); c.1746+221C>T (NM_001386187.2); c.1740+221C>T (NM_001386147.1, NM_001386160.1, NM_001354261.2); c.1719+221C>T (NM_001354254.2, NM_001354239.2, NM_001354252.2 and 14 more transcripts); c.1695+221C>T (NM_001354249.2, NM_001354266.2, NM_001354276.2 and 13 more transcripts); c.1497+221C>T (NM_001386157.1, NM_001354277.2, NM_001386158.1); c.1827+221C>T (NM_001354241.2, NM_001386152.1, NM_001354237.2 and 5 more transcripts); and 4 more.
Identifiers: ClinVar variation 678445 (VCV000678445.1), dbSNP rs29387, ClinGen allele CA11758351.

ClinVar aggregate classification (germline): Benign (1 of 4 stars; one submission).

Allele frequency attached by ClinVar (database versions not stated): 1000 Genomes Project 0.29393; 1000 Genomes Project 30x 0.29419; TOPMed 0.33702; gnomAD 0.35142 and 0.35424.
gnomAD v4.1: 53,884 of 152,016 alleles (35%); highest among the groups gnomAD compares: Non-Finnish European, 46%; 10,874 homozygotes.

Submission:

GeneDx
Classification: Benign. Last evaluated: 2018-06-14. Review status: criteria provided, single submitter. Criteria: GeneDx Variant Classification (06012015). Collection method: clinical testing. Allele origin: germline. Affected: yes.
Comment: This variant is considered likely benign or benign based on one or more of the following criteria: it is a conservative change, it occurs at a poorly conserved position in the protein, it is predicted to be benign by multiple in silico algorithms, and/or has population frequency not consistent with disease.